The following is an entry in ClinVar:

ClinVar aggregate classification (germline): Conflicting classifications of pathogenicity. Review status: criteria provided, conflicting classifications (1 of 4 stars). 3 submissions from 1 submitter: Uncertain significance (2); Benign (1). Last evaluated 2018-01-13.

Conditions:
Desmin-related myofibrillar myopathy (MFM1). Also called: Desminopathy; Desmin related myopathy (former name); Desmin storage myopathy (former name); MYOFIBRILLAR MYOPATHY WITH ARRHYTHMOGENIC RIGHT VENTRICULAR CARDIOMYOPATHY; DESMIN-RELATED MYOPATHY WITH ARRHYTHMOGENIC RIGHT VENTRICULAR CARDIOMYOPATHY; Myofibrillar myopathy 1. Identifiers: Orphanet 363543, Orphanet 98909, MedGen C1832370, MONDO:0011076, OMIM 601419.
Dilated cardiomyopathy 1I (CMD1I). Identifiers: Orphanet 154, MedGen C1858154, MONDO:0011482, OMIM 604765.
Neurogenic scapuloperoneal syndrome, Kaeser type (SCPNK). Also called: KAESER SYNDROME. Identifiers: Orphanet 85146, MedGen C1867005, MONDO:0008407, OMIM 181400.

Allele frequency attached by ClinVar (database versions not stated): gnomAD 0.00004 and 0.00008; TOPMed 0.00005; gnomAD exomes 0.00009; 1000 Genomes Project 0.00080; 1000 Genomes Project 30x 0.00109.
gnomAD v4.1: 101 of 1,214,958 alleles (0.0083%); highest among the groups gnomAD compares: East Asian, 0.21%; no homozygotes.

Submissions (3):

Illumina Laboratory Services, Illumina
Classification: Uncertain significance for Myofibrillar myopathy 1. Last evaluated: 2018-01-13. Review status: criteria provided, single submitter. Criteria: ICSL Variant Classification Criteria 13 December 2019. Collection method: clinical testing. Allele origin: germline.

Illumina Laboratory Services, Illumina
Classification: Uncertain significance for Dilated cardiomyopathy 1I. Last evaluated: 2018-01-13. Review status: criteria provided, single submitter. Criteria: ICSL Variant Classification Criteria 13 December 2019. Collection method: clinical testing. Allele origin: germline.

Illumina Laboratory Services, Illumina
Classification: Benign for Neurogenic scapuloperoneal syndrome, Kaeser type. Last evaluated: 2018-01-13. Review status: criteria provided, single submitter. Criteria: ICSL Variant Classification Criteria 13 December 2019. Collection method: clinical testing. Allele origin: germline.
Comment: This variant was observed in the ICSL laboratory as part of a predisposition screen in an ostensibly healthy population. It had not been previously curated by ICSL or reported in the Human Gene Mutation Database (HGMD: prior to June 1st, 2018), and was therefore a candidate for classification through an automated scoring system. Utilizing variant allele frequency, disease prevalence and penetrance estimates, and inheritance mode, an automated score was calculated to assess if this variant is too frequent to cause the disease. Based on the score and internal cut-off values, a variant classified as benign is not then subjected to further curation. The score for this variant resulted in a classification of benign for this disease.

NM_001927.4(DES):c.*112C>G

Gene: DES (desmin; plus strand). Cytogenetic location: 2q35.
Variant type: single nucleotide variant.
Coding change: c.*112C>G on transcript NM_001927.4 (MANE Select); 112 bases downstream of the stop codon, C replaced by G.
Molecular consequence: 3 prime UTR variant.
Genome position (GRCh38, 1-based): chr2:219,426,102, C>G. VCF-style: chr2-219426102-C-G. GRCh37 (hg19) VCF-style: chr2-220290824-C-G.
Identifiers: ClinVar variation 898565 (VCV000898565.5), dbSNP rs540351476, ClinGen allele CA65987360.